The following is an entry in ClinVar:

ClinVar aggregate classification (germline): Uncertain significance. Review status: criteria provided, multiple submitters, no conflicts (2 of 4 stars). 5 submissions from 5 submitters: Uncertain significance (4). 1 of the submissions does not count toward it. Last evaluated 2025-02-25.

Conditions:
Usher syndrome type 1 (USH1). Also called: RETINITIS PIGMENTOSA AND CONGENITAL DEAFNESS. Identifiers: Orphanet 231169, Orphanet 886, MedGen C1568247, MONDO:0010168, OMIM 276900.
Usher syndrome type 1C. Also called: USHER SYNDROME, TYPE I, ACADIAN VARIETY. Identifiers: Orphanet 231169, Orphanet 886, MedGen C1848604, MONDO:0010171, OMIM 276904.
Autosomal recessive nonsyndromic hearing loss 18A. Also called: DEAFNESS, AUTOSOMAL RECESSIVE 18; Deafness, autosomal recessive 18A. Identifiers: Orphanet 90636, MedGen C1865870, MONDO:0011192, OMIM 602092.
USH1C-related disorder. Also called: USH1C-related condition.
Inborn genetic diseases. Identifiers: MedGen C0950123, MeSH D030342.

Allele frequency attached by ClinVar (database versions not stated): ExAC 0.00001; gnomAD 0.00001; gnomAD exomes 0.00001 and 0.00003; TOPMed 0.00002.
gnomAD v4.1: 38 of 1,612,498 alleles (0.0024%); highest among the groups gnomAD compares: Non-Finnish European, 0.0028%; no homozygotes.

Submissions (5):

PreventionGenetics, part of Exact Sciences
Classification: Uncertain significance for USH1C-related condition. Last evaluated: 2025-02-25. Review status: criteria provided, single submitter. Criteria: ACMG Guidelines, 2015. Collection method: clinical testing. Allele origin: germline.
Comment: The USH1C c.907C>T variant is predicted to result in the amino acid substitution p.Arg303Trp. To our knowledge, this variant has not been reported in the literature. This variant is reported in 0.0042% of alleles in individuals of African descent in gnomAD. At this time, the clinical significance of this variant is uncertain due to the absence of conclusive functional and genetic evidence.

Department of Pathology and Laboratory Medicine, Sinai Health System
Classification: Uncertain significance for Usher syndrome type 1; Usher syndrome type 1C; Autosomal recessive nonsyndromic hearing loss 18A. Last evaluated: 2023-01-23. Review status: criteria provided, single submitter. Criteria: ACMG Guidelines, 2015. Collection method: research. Allele origin: germline.

Ambry Genetics
Classification: Uncertain significance for Inborn genetic diseases. Last evaluated: 2022-10-26. Review status: criteria provided, single submitter. Criteria: Ambry Variant Classification Scheme 2023. Collection method: clinical testing. Allele origin: germline.

Labcorp Genetics (formerly Invitae), Labcorp
Classification: Uncertain significance. Last evaluated: 2022-06-08. Review status: criteria provided, single submitter. Criteria: Invitae Variant Classification Sherloc (09022015). Collection method: clinical testing. Allele origin: germline.
Comment: This sequence change replaces arginine, which is basic and polar, with tryptophan, which is neutral and slightly polar, at codon 303 of the USH1C protein (p.Arg303Trp). The frequency data for this variant in the population databases is considered unreliable, as metrics indicate poor data quality at this position in the gnomAD database. This variant has not been reported in the literature in individuals affected with USH1C-related conditions. ClinVar contains an entry for this variant (Variation ID: 837407). Algorithms developed to predict the effect of missense changes on protein structure and function are either unavailable or do not agree on the potential impact of this missense change (SIFT: "Deleterious"; PolyPhen-2: "Probably Damaging"; Align-GVGD: "Class C0"). In summary, the available evidence is currently insufficient to determine the role of this variant in disease. Therefore, it has been classified as a Variant of Uncertain Significance.

Natera, Inc.
Classification: Uncertain significance for Usher syndrome type 1C. Last evaluated: 2020-03-20. Review status: no assertion criteria provided. Collection method: clinical testing. Allele origin: germline. Not counted in ClinVar's aggregate classification.

NM_153676.4(USH1C):c.907C>T (p.Arg303Trp)

Gene: USH1C (USH1 protein network component harmonin; minus strand). Cytogenetic location: 11p15.1.
Variant type: single nucleotide variant.
Coding change: c.907C>T on transcript NM_153676.4 (MANE Select); coding-DNA position 907, C replaced by T.
Protein change: p.Arg303Trp; replaces arginine 303 with tryptophan.
Molecular consequence: missense variant. On other transcripts: non-coding transcript variant (1).
Genome position (GRCh38, 1-based): chr11:17,522,896, G>A on the plus strand (C>T on the coding strand, the complement: USH1C is on the minus strand). VCF-style: chr11-17522896-G-A. GRCh37 (hg19) VCF-style: chr11-17544443-G-A.
Other names: c.907C>T (NM_153676.3); c.850C>T, p.Arg284Trp (NM_001297764.2); c.907C>T, p.Arg303Trp (NM_005709.4); short protein forms R284W, R303W.
Identifiers: ClinVar variation 837407 (VCV000837407.9), dbSNP rs749821587, ClinGen allele CA5904793.